The following is an entry in ClinVar:

ClinVar aggregate classification (germline): Pathogenic/Likely pathogenic. Review status: criteria provided, multiple submitters, no conflicts (2 of 4 stars). 4 submissions from 4 submitters: Pathogenic (2); Likely pathogenic (2). Last evaluated 2026-03-09.

Conditions:
Hereditary cancer-predisposing syndrome. Also called: Neoplastic Syndromes, Hereditary; Tumor predisposition; Hereditary Cancer Syndrome; Hereditary neoplastic syndrome. Identifiers: Orphanet 140162, MedGen C0027672, MeSH D009386, MONDO:0015356.
Familial adenomatous polyposis 1 (FAP1). Also called: FAMILIAL ADENOMATOUS POLYPOSIS 1, ATTENUATED; POLYPOSIS, ADENOMATOUS INTESTINAL. Identifiers: MedGen C2713442, MONDO:0021056, OMIM 175100. Disease mechanism: loss of function.

Submissions (4):

Ambry Genetics
Classification: Likely pathogenic for Hereditary cancer-predisposing syndrome. Last evaluated: 2026-03-09. Review status: criteria provided, single submitter. Criteria: Ambry Variant Classification Scheme 2023. Collection method: clinical testing. Allele origin: germline.
Comment: The p.S895* variant (also known as c.2684C>G), located in coding exon 15 of the APC gene, results from a C to G substitution at nucleotide position 2684. This changes the amino acid from a serine to a stop codon within coding exon 15. This variant occurs at the 3' terminus of the gene, is not expected to trigger nonsense-mediated mRNA decay, and impacts the last 68% of the protein. However, premature stop codons are typically deleterious in nature and a significant portion of the protein is affected (Ambry internal data). This variant is considered to be rare based on population cohorts in the Genome Aggregation Database (gnomAD). Based on the majority of available evidence to date, this variant is likely to be pathogenic.

Labcorp Genetics (formerly Invitae), Labcorp
Classification: Pathogenic for Familial adenomatous polyposis 1. Last evaluated: 2025-01-06. Review status: criteria provided, single submitter. Criteria: Invitae Variant Classification Sherloc (09022015). Collection method: clinical testing. Allele origin: germline.
Comment: This sequence change creates a premature translational stop signal (p.Ser895*) in the APC gene. While this is not anticipated to result in nonsense mediated decay, it is expected to disrupt the last 1949 amino acid(s) of the APC protein. This variant is not present in population databases (gnomAD no frequency). This variant has not been reported in the literature in individuals affected with APC-related conditions. ClinVar contains an entry for this variant (Variation ID: 1210113). This variant disrupts a region of the APC protein in which other variant(s) (p.Tyr2645Lysfs*14) have been determined to be pathogenic (PMID: 1316610, 8381579, 9824584, 22135120, 27081525). This suggests that this is a clinically significant region of the protein, and that variants that disrupt it are likely to be disease-causing. For these reasons, this variant has been classified as Pathogenic.

Myriad Genetics, Inc.
Classification: Pathogenic for Familial adenomatous polyposis 1. Last evaluated: 2023-05-05. Review status: criteria provided, single submitter. Criteria: Myriad Autosomal Dominant, Autosomal Recessive and X-Linked Classification Criteria (2023). Collection method: clinical testing. Allele origin: unknown.
Comment: This variant is considered pathogenic. This variant creates a termination codon and is predicted to result in premature protein truncation.

Laboratorio de Genética Hospitales Universitarios Virgen de las Nieves y Clínico San Cecilio (Granada, Spain), Hospitales Universitarios Virgen de las Nieves y Clínico San Cecilio (Granada, Spain)
Classification: Likely pathogenic for Familial adenomatous polyposis 1. Last evaluated: 2021-05-31. Review status: criteria provided, single submitter. Criteria: ACMG Guidelines, 2015. Collection method: clinical testing. Allele origin: germline. Inheritance: Autosomal dominant inheritance. Affected: yes. Observed: 1 variant allele, 1 heterozygote.
Comment: APC(NM_000038.5):c.2684C>G (p.Ser895Ter) is a null variant (nonsense), in gene APC for which loss-of-function is a known mechanism of disease. This variant is not found in gnomAD exomes and gnomAD genomes. We have found pathogenic computational verdict based on 5 pathogenic predictions from BayesDel_addAF, CADD, EIGEN, FATHMM-MKL and MutationTaster vs no benign predictions.

Literature cited by the submitters: PubMed 1316610 (cited by Labcorp Genetics (formerly Invitae), Labcorp); PubMed 8381579 (cited by Labcorp Genetics (formerly Invitae), Labcorp); PubMed 9824584 (cited by Labcorp Genetics (formerly Invitae), Labcorp); PubMed 22135120 (cited by Labcorp Genetics (formerly Invitae), Labcorp); PubMed 27081525 (cited by Labcorp Genetics (formerly Invitae), Labcorp).

NM_000038.6(APC):c.2684C>G (p.Ser895Ter)

Gene: APC (APC regulator of Wnt signaling pathway; plus strand). Cytogenetic location: 5q22.2.
Variant type: single nucleotide variant.
Coding change: c.2684C>G on transcript NM_000038.6 (MANE Select); coding-DNA position 2684, C replaced by G.
Protein change: p.Ser895Ter; replaces serine 895 with a stop codon.
Molecular consequence: nonsense.
Genome position (GRCh38, 1-based): chr5:112,838,278, C>G. VCF-style: chr5-112838278-C-G. GRCh37 (hg19) VCF-style: chr5-112173975-C-G.
Other names: c.2684C>G, p.Ser895Ter (NM_001127510.3, NM_001354895.2); c.2630C>G, p.Ser877Ter (NM_001127511.3); c.2738C>G, p.Ser913Ter (NM_001354896.2); c.2714C>G, p.Ser905Ter (NM_001354897.2); c.2609C>G, p.Ser870Ter (NM_001354898.2); c.2600C>G, p.Ser867Ter (NM_001354899.2); c.2561C>G, p.Ser854Ter (NM_001354900.2); c.2507C>G, p.Ser836Ter (NM_001354901.2); and 5 more; short protein forms S612*, S735*, S769*, S794*, S804*, S836*, S854*, S867*.
Identifiers: ClinVar variation 1210113 (VCV001210113.6), dbSNP rs2149875189, ClinGen allele CA16027193.